The following is an entry in ClinVar:

ClinVar aggregate classification (germline): Uncertain significance (1 of 4 stars; one submission).

gnomAD v4.1: 1 of 1,611,638 alleles (0.000062%); highest among the groups gnomAD compares: Non-Finnish European, 0.000085%; no homozygotes.

Submission:

Labcorp Genetics (formerly Invitae), Labcorp
Classification: Uncertain significance. Last evaluated: 2025-06-18. Review status: criteria provided, single submitter. Criteria: Invitae Variant Classification Sherloc (09022015). Collection method: clinical testing. Allele origin: germline.
Comment: This sequence change replaces serine, which is neutral and polar, with leucine, which is neutral and non-polar, at codon 902 of the PCLO protein (p.Ser902Leu). This variant is not present in population databases (gnomAD no frequency). This variant has not been reported in the literature in individuals affected with PCLO-related conditions. Experimental studies and prediction algorithms are not available or were not evaluated, and the functional significance of this variant is currently unknown. In summary, the available evidence is currently insufficient to determine the role of this variant in disease. Therefore, it has been classified as a Variant of Uncertain Significance.

NM_033026.6(PCLO):c.2705C>T (p.Ser902Leu)

Gene: PCLO (piccolo presynaptic cytomatrix protein; minus strand). Cytogenetic location: 7q21.11.
Variant type: single nucleotide variant.
Coding change: c.2705C>T on transcript NM_033026.6 (MANE Select); coding-DNA position 2705, C replaced by T.
Protein change: p.Ser902Leu; replaces serine 902 with leucine.
Molecular consequence: missense variant.
Genome position (GRCh38, 1-based): chr7:83,134,845, G>A on the plus strand (C>T on the coding strand, the complement: PCLO is on the minus strand). VCF-style: chr7-83134845-G-A. GRCh37 (hg19) VCF-style: chr7-82764161-G-A.
Other names: c.2705C>T, p.Ser902Leu (NM_014510.3); short protein forms S902L.
Identifiers: ClinVar variation 4805850 (VCV004805850.1).